The following is an entry in ClinVar:

ClinVar aggregate classification (germline): Uncertain significance (1 of 4 stars; one submission).

Submission:

GeneDx
Classification: Uncertain significance. Last evaluated: 2022-04-26. Review status: criteria provided, single submitter. Criteria: GeneDx Variant Classification Process June 2021. Collection method: clinical testing. Allele origin: germline. Affected: yes.
Comment: Not observed at significant frequency in large population cohorts (gnomAD); In-frame deletion of 1 amino acids in a non-repeat region; In silico analysis supports a deleterious effect on protein structure/function; Has not been previously published as pathogenic or benign to our knowledge

NM_004408.4(DNM1):c.925_927del (p.Lys309del)

Gene: DNM1 (dynamin 1; plus strand). Cytogenetic location: 9q34.11.
Variant type: Deletion.
Coding change: c.925_927del on transcript NM_004408.4 (MANE Select); coding-DNA positions 925 to 927, 3 bases deleted (AAG; older notation c.925_927delAAG).
Protein change: p.Lys309del; deletes lysine 309.
Molecular consequence: inframe deletion.
Genome position (GRCh38, 1-based): chr9:128,222,272-128,222,274, AAG deleted; deleting any 3 consecutive bases within chr9:128,222,270-128,222,274 gives the same sequence; the c. name uses the placement nearest the transcript's 3' end. VCF-style (leftmost placement, unchanged base first): chr9-128222269-GAGA-G. GRCh37 (hg19) VCF-style: chr9-130984548-GAGA-G.
Other names: c.925_927del, p.Lys309del (NM_001005336.3, NM_001288737.2, NM_001288738.2 and 2 more transcripts); short protein forms K309del.
Identifiers: ClinVar variation 1712754 (VCV001712754.2), dbSNP rs2538996364, ClinGen allele CA2580079685.
Genomic context (GRCh38, chr9:128,222,269, plus strand): 5'-CACATCCGGGACACACTGCCGGGGCTGCGGAACAAGCTGCAGAGCCAGCTACTGTCCATT[GAGA>G]AGGAGGTGGAGGAATACAAGAACTTCCGCCCTGATGACCCAGCTCGCAAGACCAAGGCCC-3'